The following is an entry in ClinVar:

NM_001291415.2(KDM6A):c.3924C>G (p.Tyr1308Ter)

Gene: KDM6A (lysine demethylase 6A; plus strand). Cytogenetic location: Xp11.3.
Variant type: single nucleotide variant.
Coding change: c.3924C>G on transcript NM_001291415.2 (MANE Select); coding-DNA position 3924, C replaced by G.
Protein change: p.Tyr1308Ter; replaces tyrosine 1308 with a stop codon.
Molecular consequence: nonsense. On other transcripts: non-coding transcript variant (1).
Genome position (GRCh38, 1-based): chrX:45,090,754, C>G. VCF-style: chrX-45090754-C-G. GRCh37 (hg19) VCF-style: chrX-44949999-C-G.
Other names: c.3822C>G, p.Tyr1274Ter (NM_001419813.1, NM_001419810.1); c.3666C>G, p.Tyr1222Ter (NM_001419814.1, NM_001410742.1); c.3531C>G, p.Tyr1177Ter (NM_001419815.1, NM_001291418.2); c.3768C>G, p.Tyr1256Ter (NM_021140.4, NM_001419812.1); c.3789C>G, p.Tyr1263Ter (NM_001291416.2, NM_001419811.1); c.3633C>G, p.Tyr1211Ter (NM_001291417.2); c.2880C>G, p.Tyr960Ter (NM_001291421.2); c.3924C>G, p.Tyr1308Ter (NM_001419809.1); short protein forms Y1177*, Y1211*, Y1222*, Y1256*, Y1263*, Y1274*, Y1308*, Y960*.
Identifiers: ClinVar variation 4530486 (VCV004530486.1).

ClinVar aggregate classification (somatic clinical impact): Tier I - Strong (1 of 4 stars; one submission).

Conditions:
Medulloblastoma non-WNT/non-SHH group 4. Identifiers: MedGen C4330666, MONDO:0956967.

Submission:

Institute for Genomic Medicine (IGM) Clinical Laboratory, Nationwide Children's Hospital
Classification: Tier I - Strong for Medulloblastoma non-WNT/non-SHH group 4. Assertion type: diagnostic. Clinical significance: supports diagnosis. Last evaluated: 2025-10-06. Review status: criteria provided, single submitter. Criteria: AMP/ASCO/CAP Guidelines, 2017. Collection method: clinical testing. Allele origin: somatic. Affected: yes.
Comment: Variant has Tier I (strong) clinical significance as a diagnostic inclusion criterion in medulloblastoma non-WNT/non-SHH group 4, based on the following evidence: 1) Appears in one or more well-established professional guidelines (e.g., World Health Organization [WHO]; National Comprehensive Cancer Network [NCCN]) as providing diagnostic, prognostic, or therapeutic information. 2) Information in the literature supports potential biologic effect of variant (PMIDs: 33253789, 23184418, 28726821). 3) Diagnostic for a specific tumor type/classification based on well-powered studies with expert-level consensus (Evidence Level B; PMIDs: 23184418, 22722829, 22820256, 22832583).

Literature cited by the submitters: PubMed 33253789; PubMed 23184418; PubMed 28726821; PubMed 22722829; PubMed 22820256; PubMed 22832583.